The following is an entry in ClinVar:

ClinVar aggregate classification (germline): Uncertain significance (1 of 4 stars; one submission).

Conditions:
Hyperaldosteronism, familial, type IV (HALD4). Also called: FH IV; ALDOSTERONISM, PRIMARY, AND HYPERTENSION. Identifiers: Orphanet 642671, MedGen C4310756, MONDO:0014875, OMIM 617027.
Idiopathic generalized epilepsy. Also called: Generalised epilepsy; EIG. Identifiers: MedGen C0270850, MONDO:0005579, OMIM 600669.

Submission:

Labcorp Genetics (formerly Invitae), Labcorp
Classification: Uncertain significance for Idiopathic generalized epilepsy; Hyperaldosteronism, familial, type IV. Last evaluated: 2022-08-10. Review status: criteria provided, single submitter. Criteria: Invitae Variant Classification Sherloc (09022015). Collection method: clinical testing. Allele origin: germline.
Comment: This sequence change replaces glycine, which is neutral and non-polar, with serine, which is neutral and polar, at codon 1173 of the CACNA1H protein (p.Gly1173Ser). This variant is not present in population databases (gnomAD no frequency). This variant has not been reported in the literature in individuals affected with CACNA1H-related conditions. ClinVar contains an entry for this variant (Variation ID: 1505821). Advanced modeling of protein sequence and biophysical properties (such as structural, functional, and spatial information, amino acid conservation, physicochemical variation, residue mobility, and thermodynamic stability) performed at Invitae indicates that this missense variant is not expected to disrupt CACNA1H protein function. In summary, the available evidence is currently insufficient to determine the role of this variant in disease. Therefore, it has been classified as a Variant of Uncertain Significance.

NM_021098.3(CACNA1H):c.3517G>A (p.Gly1173Ser)

Gene: CACNA1H (calcium voltage-gated channel subunit alpha1 H; plus strand). Cytogenetic location: 16p13.3.
Variant type: single nucleotide variant.
Coding change: c.3517G>A on transcript NM_021098.3 (MANE Select); coding-DNA position 3517, G replaced by A.
Protein change: p.Gly1173Ser; replaces glycine 1173 with serine.
Molecular consequence: missense variant.
Genome position (GRCh38, 1-based): chr16:1,209,185, G>A. VCF-style: chr16-1209185-G-A. GRCh37 (hg19) VCF-style: chr16-1259185-G-A.
Other names: c.3517G>A, p.Gly1173Ser (NM_001005407.2); short protein forms G1173S.
Identifiers: ClinVar variation 1505821 (VCV001505821.8), dbSNP rs1969122865, ClinGen allele CA394173811.